The following is an entry in ClinVar:

ClinVar aggregate classification (germline): Uncertain significance (1 of 4 stars; one submission).

Conditions:
Baller-Gerold syndrome (BGS). Also called: CRANIOSYNOSTOSIS WITH RADIAL DEFECTS. Identifiers: Orphanet 1225, MedGen C0265308, MONDO:0009039, OMIM 218600.

Submission:

Labcorp Genetics (formerly Invitae), Labcorp
Classification: Uncertain significance for Baller-Gerold syndrome. Last evaluated: 2022-09-22. Review status: criteria provided, single submitter. Criteria: Invitae Variant Classification Sherloc (09022015). Collection method: clinical testing. Allele origin: germline.
Comment: In summary, the available evidence is currently insufficient to determine the role of this variant in disease. Therefore, it has been classified as a Variant of Uncertain Significance. Experimental studies and prediction algorithms are not available or were not evaluated, and the functional significance of this variant is currently unknown. This variant has not been reported in the literature in individuals affected with RECQL4-related conditions. This variant is not present in population databases (gnomAD no frequency). This sequence change replaces serine, which is neutral and polar, with asparagine, which is neutral and polar, at codon 257 of the RECQL4 protein (p.Ser257Asn).

NM_004260.4(RECQL4):c.770G>A (p.Ser257Asn)

Gene: RECQL4 (RecQ like helicase 4; minus strand). Cytogenetic location: 8q24.3.
Variant type: single nucleotide variant.
Coding change: c.770G>A on transcript NM_004260.4 (MANE Select); coding-DNA position 770, G replaced by A.
Protein change: p.Ser257Asn; replaces serine 257 with asparagine.
Molecular consequence: missense variant.
Genome position (GRCh38, 1-based): chr8:144,516,349, C>T on the plus strand (G>A on the coding strand, the complement: RECQL4 is on the minus strand). VCF-style: chr8-144516349-C-T. GRCh37 (hg19) VCF-style: chr8-145741733-C-T.
Other names: c.770G>A, p.Ser257Asn (NM_001413017.1, NM_001413018.1, NM_001413019.1 and 4 more transcripts); c.-302G>A (NM_001413021.1, NM_001413022.1, NM_001413023.1 and 7 more transcripts); c.641G>A, p.Ser214Asn (NM_001413025.1); c.-364G>A (NM_001413027.1, NM_001413030.1, NM_001413031.1 and 2 more transcripts); c.419G>A, p.Ser140Asn (NM_001413029.1); c.-206G>A (NM_001413034.1); c.-571G>A (NM_001413043.1); short protein forms S214N, S257N, S140N.
Identifiers: ClinVar variation 2172443 (VCV002172443.4), dbSNP rs2130722558, ClinGen allele CA372689314.